The following is an entry in ClinVar:

ClinVar aggregate classification (germline): Uncertain significance (1 of 4 stars; one submission).

Submission:

GeneDx
Classification: Uncertain significance. Last evaluated: 2023-05-09. Review status: criteria provided, single submitter. Criteria: GeneDx Variant Classification Process June 2021. Collection method: clinical testing. Allele origin: germline. Affected: yes.
Comment: Not observed at significant frequency in large population cohorts (gnomAD); In silico analysis supports that this variant does not alter protein structure/function; Has not been previously published as pathogenic or benign to our knowledge

NM_138694.4(PKHD1):c.11695_11696inv (p.Gln3899Trp)

Gene: PKHD1 (PKHD1 ciliary IPT domain containing fibrocystin/polyductin; minus strand). Cytogenetic location: 6p12.3.
Variant type: Inversion.
Coding change: c.11695_11696inv on transcript NM_138694.4 (MANE Select).
Protein change: p.Gln3899Trp; replaces glutamine 3899 with tryptophan.
Molecular consequence: missense variant.
Genome position: GRCh38 VCF-style: chr6-51627086-TG-CA. GRCh37 (hg19) VCF-style: chr6-51491884-TG-CA.
Other names: short protein forms Q3899W.
Identifiers: ClinVar variation 2662327 (VCV002662327.1), ClinGen allele CA2695198846.